The following is an entry in ClinVar:

NM_006492.3(ALX3):c.975C>T (p.Leu325=)

Gene: ALX3 (ALX homeobox 3; minus strand). Cytogenetic location: 1p13.3.
Variant type: single nucleotide variant.
Coding change: c.975C>T on transcript NM_006492.3 (MANE Select); coding-DNA position 975, C replaced by T.
Protein change: p.Leu325=; no amino-acid change (leucine 325 retained).
Molecular consequence: synonymous variant.
Genome position (GRCh38, 1-based): chr1:110,060,790, G>A on the plus strand (C>T on the coding strand, the complement: ALX3 is on the minus strand). VCF-style: chr1-110060790-G-A. GRCh37 (hg19) VCF-style: chr1-110603412-G-A.
Identifiers: ClinVar variation 3043120 (VCV003043120.2), dbSNP rs771690383, ClinGen allele CA997462.

ClinVar aggregate classification (germline): Likely benign (0 of 4 stars; one submission).

Conditions:
ALX3-related disorder. Also called: ALX3-related condition.

Allele frequency attached by ClinVar (database versions not stated): TOPMed 0.00007; gnomAD exomes 0.00008; gnomAD 0.00009; ExAC 0.00024.
gnomAD v4.1: 128 of 1,613,378 alleles (0.0079%); highest among the groups gnomAD compares: East Asian, 0.14%; no homozygotes.

Submission:

PreventionGenetics, part of Exact Sciences
Classification: Likely benign for ALX3-related condition. Last evaluated: 2019-06-28. Review status: no assertion criteria provided. Collection method: clinical testing. Allele origin: germline.
Comment: This variant is classified as likely benign based on ACMG/AMP sequence variant interpretation guidelines (Richards et al. 2015 PMID: 25741868, with internal and published modifications).